The following is an entry in ClinVar:

ClinVar aggregate classification (germline): Uncertain significance (1 of 4 stars; one submission).

Submission:

GeneDx
Classification: Uncertain significance. Last evaluated: 2025-06-30. Review status: criteria provided, single submitter. Criteria: GeneDx Variant Classification Process June 2021. Collection method: clinical testing. Allele origin: germline. Affected: yes.
Comment: Not observed at significant frequency in large population cohorts (gnomAD); In silico analysis suggests that this missense variant does not alter protein structure/function; Has not been previously published as pathogenic or benign to our knowledge

NM_001080517.3(SETD5):c.3470G>A (p.Arg1157Lys)

Gene: SETD5 (SET domain containing 5; plus strand). Cytogenetic location: 3p25.3.
Variant type: single nucleotide variant.
Coding change: c.3470G>A on transcript NM_001080517.3 (MANE Select); coding-DNA position 3470, G replaced by A.
Protein change: p.Arg1157Lys; replaces arginine 1157 with lysine.
Molecular consequence: missense variant.
Genome position (GRCh38, 1-based): chr3:9,473,510, G>A. VCF-style: chr3-9473510-G-A. GRCh37 (hg19) VCF-style: chr3-9515194-G-A.
Other names: c.3176G>A, p.Arg1059Lys (NM_001292043.2, NM_001349451.2); c.3566G>A, p.Arg1189Lys (NM_001437633.1); c.3584G>A, p.Arg1195Lys (NM_001437635.1); c.3527G>A, p.Arg1176Lys (NM_001437643.1); c.3509G>A, p.Arg1170Lys (NM_001437701.1); short protein forms R1059K, R1157K, R1170K, R1176K, R1189K, R1195K.
Identifiers: ClinVar variation 4681045 (VCV004681045.1).